The following is an entry in ClinVar:

NM_007118.4(TRIO):c.3040_3041del (p.Val1014fs)

Gene: TRIO (trio Rho guanine nucleotide exchange factor; plus strand). Cytogenetic location: 5p15.2.
Variant type: Deletion.
Coding change: c.3040_3041del on transcript NM_007118.4 (MANE Select); coding-DNA positions 3040 to 3041, 2 bases deleted (GT; older notation c.3040_3041delGT).
Protein change: p.Val1014fs; shifts the reading frame from valine 1014.
Molecular consequence: frameshift variant. On other transcripts: non-coding transcript variant (1).
Genome position (GRCh38, 1-based): chr5:14,368,873-14,368,874, GT deleted; deleting any 2 consecutive bases within chr5:14,368,872-14,368,874 gives the same sequence; the c. name uses the placement nearest the transcript's 3' end. VCF-style (leftmost placement, unchanged base first): chr5-14368871-CTG-C. GRCh37 (hg19) VCF-style: chr5-14368980-CTG-C.
Other names: c.3040_3041delGT (NM_007118.2); short protein forms V1014fs.
Identifiers: ClinVar variation 817750 (VCV000817750.5), dbSNP rs1579448914, ClinGen allele CA915943284.

ClinVar aggregate classification (germline): Pathogenic (1 of 4 stars; one submission).

Submission:

GeneDx
Classification: Pathogenic. Last evaluated: 2024-12-09. Review status: criteria provided, single submitter. Criteria: GeneDx Variant Classification Process June 2021. Collection method: clinical testing. Allele origin: germline. Affected: yes.
Comment: Frameshift variant predicted to result in protein truncation or nonsense mediated decay in a gene for which loss of function is a known mechanism of disease; Not observed at significant frequency in large population cohorts (gnomAD); Has not been previously published as pathogenic or benign to our knowledge